The following is an entry in ClinVar:

NM_004168.4(SDHA):c.1500A>G (p.Arg500=)

Gene: SDHA (succinate dehydrogenase complex flavoprotein subunit A; plus strand). Cytogenetic location: 5p15.33.
Variant type: single nucleotide variant.
Coding change: c.1500A>G on transcript NM_004168.4 (MANE Select); coding-DNA position 1500, A replaced by G.
Protein change: p.Arg500=; no amino-acid change (arginine 500 retained).
Molecular consequence: synonymous variant.
Genome position (GRCh38, 1-based): chr5:240,425, A>G. VCF-style: chr5-240425-A-G. GRCh37 (hg19) VCF-style: chr5-240540-A-G.
Other names: c.1356A>G, p.Arg452= (NM_001294332.2); c.1500A>G, p.Arg500= (NM_001330758.2).
Identifiers: ClinVar variation 1774004 (VCV001774004.8), dbSNP rs2477398101, ClinGen allele CA442692229.

ClinVar aggregate classification (germline): Benign/Likely benign. Review status: criteria provided, multiple submitters, no conflicts (2 of 4 stars). 3 submissions from 3 submitters: Benign (1); Likely benign (2). Last evaluated 2025-03-10.

Conditions:
Hereditary cancer-predisposing syndrome. Also called: Tumor predisposition; Hereditary Cancer Syndrome; Hereditary neoplastic syndrome; Neoplastic Syndromes, Hereditary. Identifiers: Orphanet 140162, MedGen C0027672, MeSH D009386, MONDO:0015356.
Mitochondrial complex II deficiency, nuclear type 1. Also called: SUCCINATE CoQ REDUCTASE DEFICIENCY. Identifiers: Orphanet 3208, MedGen C5700310, MONDO:0100294, OMIM 252011.
Pheochromocytoma/paraganglioma syndrome 5. Also called: Paragangliomas 5; SDHA-Related Hereditary Paraganglioma-Pheochromocytoma Syndrome. Identifiers: Orphanet 29072, MedGen C3279992, MONDO:0013602, OMIM 614165.

Submissions (3):

Myriad Genetics, Inc.
Classification: Benign for Pheochromocytoma/paraganglioma syndrome 5. Last evaluated: 2025-03-10. Review status: criteria provided, single submitter. Criteria: Myriad Autosomal Dominant, Autosomal Recessive and X-Linked Classification Criteria (2023). Collection method: clinical testing. Allele origin: unknown.
Comment: This variant is considered benign. This variant is a silent/synonymous amino acid change and it is not expected to impact splicing.

Labcorp Genetics (formerly Invitae), Labcorp
Classification: Likely benign for Pheochromocytoma/paraganglioma syndrome 5; Mitochondrial complex II deficiency, nuclear type 1. Last evaluated: 2022-03-11. Review status: criteria provided, single submitter. Criteria: Invitae Variant Classification Sherloc (09022015). Collection method: clinical testing. Allele origin: germline.

Ambry Genetics
Classification: Likely benign for Hereditary cancer-predisposing syndrome. Last evaluated: 2021-11-15. Review status: criteria provided, single submitter. Criteria: Ambry Variant Classification Scheme 2023. Collection method: clinical testing. Allele origin: germline.